The following is an entry in ClinVar:

NM_033087.4(ALG2):c.1055C>T (p.Ser352Phe)

Gene: ALG2 (ALG2 alpha-1,3/1,6-mannosyltransferase; minus strand). Cytogenetic location: 9q22.33.
Variant type: single nucleotide variant.
Coding change: c.1055C>T on transcript NM_033087.4 (MANE Select); coding-DNA position 1055, C replaced by T.
Protein change: p.Ser352Phe; replaces serine 352 with phenylalanine.
Molecular consequence: missense variant. On other transcripts: non-coding transcript variant (1).
Genome position (GRCh38, 1-based): chr9:99,218,130, G>A on the plus strand (C>T on the coding strand, the complement: ALG2 is on the minus strand). VCF-style: chr9-99218130-G-A. GRCh37 (hg19) VCF-style: chr9-101980412-G-A.
Other names: short protein forms S352F.
Identifiers: ClinVar variation 5020384 (VCV005020384.1).

ClinVar aggregate classification (germline): Uncertain significance (1 of 4 stars; one submission).

Submission:

Dasa
Classification: Uncertain significance. Last evaluated: 2026-06-13. Review status: criteria provided, single submitter. Criteria: DASA Assertion Criteria. Collection method: clinical testing. Allele origin: germline.
Comment: NM_033087.4(ALG2):c.1055C>T (p.Ser352Phe) is a missense variant that results in the substitution of serine with phenylalanine. This variant is rare in population databases. The currently available literature and clinical evidence are not sufficient to establish a definitive association between this variant and the reported condition. Therefore, this variant is classified as a variant of uncertain significance.